The following is an entry in ClinVar:

NM_006059.4(LAMC3):c.611A>G (p.Asn204Ser)

Gene: LAMC3 (laminin subunit gamma 3; plus strand). Cytogenetic location: 9q34.12.
Variant type: single nucleotide variant.
Coding change: c.611A>G on transcript NM_006059.4 (MANE Select); coding-DNA position 611, A replaced by G.
Protein change: p.Asn204Ser; replaces asparagine 204 with serine.
Molecular consequence: missense variant.
Genome position (GRCh38, 1-based): chr9:131,026,522, A>G. VCF-style: chr9-131026522-A-G. GRCh37 (hg19) VCF-style: chr9-133901909-A-G.
Other names: short protein forms N204S.
Identifiers: ClinVar variation 1374123 (VCV001374123.5), dbSNP rs1046607732, ClinGen allele CA200674194.

ClinVar aggregate classification (germline): Uncertain significance (1 of 4 stars; one submission).

Allele frequency attached by ClinVar (database versions not stated): TOPMed below 0.00001; gnomAD 0.00001.
gnomAD v4.1: 1 of 1,612,082 alleles (0.000062%); highest among the groups gnomAD compares: African/African-American, 0.0013%; no homozygotes.

Submission:

Labcorp Genetics (formerly Invitae), Labcorp
Classification: Uncertain significance. Last evaluated: 2025-01-06. Review status: criteria provided, single submitter. Criteria: Invitae Variant Classification Sherloc (09022015). Collection method: clinical testing. Allele origin: germline.
Comment: This sequence change replaces asparagine, which is neutral and polar, with serine, which is neutral and polar, at codon 204 of the LAMC3 protein (p.Asn204Ser). This variant is not present in population databases (gnomAD no frequency). This variant has not been reported in the literature in individuals affected with LAMC3-related conditions. ClinVar contains an entry for this variant (Variation ID: 1374123). An algorithm developed to predict the effect of missense changes on protein structure and function (PolyPhen-2) suggests that this variant is likely to be disruptive. In summary, the available evidence is currently insufficient to determine the role of this variant in disease. Therefore, it has been classified as a Variant of Uncertain Significance.